The following is an entry in ClinVar:

NM_000059.4(BRCA2):c.340C>T (p.His114Tyr)

Gene: BRCA2 (BRCA2 DNA repair associated; plus strand). Cytogenetic location: 13q13.1.
Variant type: single nucleotide variant.
Coding change: c.340C>T on transcript NM_000059.4 (MANE Select); coding-DNA position 340, C replaced by T.
Protein change: p.His114Tyr; replaces histidine 114 with tyrosine.
Molecular consequence: missense variant.
Genome position (GRCh38, 1-based): chr13:32,325,099, C>T. VCF-style: chr13-32325099-C-T. GRCh37 (hg19) VCF-style: chr13-32899236-C-T.
Other names: short protein forms H114Y.
Identifiers: ClinVar variation 133743 (VCV000133743.26), dbSNP rs587778129, ClinGen allele CA017959.

ClinVar aggregate classification (germline): Conflicting classifications of pathogenicity. Review status: criteria provided, conflicting classifications (1 of 4 stars). 10 submissions from 10 submitters: Uncertain significance (8); Likely benign (1). 1 of the submissions does not count toward it. Last evaluated 2025-11-18.

Conditions:
Hereditary cancer-predisposing syndrome. Also called: Tumor predisposition; Hereditary neoplastic syndrome; Neoplastic Syndromes, Hereditary; Hereditary Cancer Syndrome. Identifiers: Orphanet 140162, MedGen C0027672, MeSH D009386, MONDO:0015356.
Hereditary breast ovarian cancer syndrome. Also called: Hereditary breast and ovarian cancer syndrome; Hereditary breast and ovarian cancer; Hereditary breast and ovarian cancer syndrome (HBOC); Breast and ovarian cancer; BRCA1- and BRCA2-Associated Hereditary Breast and Ovarian Cancer; Hereditary breast and/or ovarian cancer syndrome. Identifiers: Orphanet 145, MedGen C0677776, MeSH D061325, MONDO:0003582. Disease mechanism: loss of function.
Breast-ovarian cancer, familial, susceptibility to, 2 (BROVCA2). Also called: BRCA2 Hereditary Breast and Ovarian Cancer. Identifiers: Orphanet 145, MedGen C2675520, MONDO:0012933, OMIM 612555. Disease mechanism: loss of function.
Familial cancer of breast. Also called: BREAST CANCER, FAMILIAL; Hereditary breast cancer; hereditary breast carcinoma. Identifiers: Orphanet 227535, MedGen C0346153, MONDO:0016419, OMIM 114480. Disease mechanism: loss of function.

Allele frequency attached by ClinVar (database versions not stated): gnomAD exomes below 0.00001.

Submissions (10):

Labcorp Genetics (formerly Invitae), Labcorp
Classification: Uncertain significance for Hereditary breast ovarian cancer syndrome. Last evaluated: 2025-11-18. Review status: criteria provided, single submitter. Criteria: Invitae Variant Classification Sherloc (09022015). Collection method: clinical testing. Allele origin: germline.
Comment: This sequence change replaces histidine, which is basic and polar, with tyrosine, which is neutral and polar, at codon 114 of the BRCA2 protein (p.His114Tyr). This variant is not present in population databases (gnomAD no frequency). This missense change has been observed in individual(s) with breast cancer (PMID: 16616110). ClinVar contains an entry for this variant (Variation ID: 133743). Invitae Evidence Modeling of protein sequence and biophysical properties (such as structural, functional, and spatial information, amino acid conservation, physicochemical variation, residue mobility, and thermodynamic stability) indicates that this missense variant is not expected to disrupt BRCA2 protein function with a negative predictive value of 95%. In summary, the available evidence is currently insufficient to determine the role of this variant in disease. Therefore, it has been classified as a Variant of Uncertain Significance.

Ambry Genetics
Classification: Likely benign for Hereditary cancer-predisposing syndrome. Last evaluated: 2025-03-06. Review status: criteria provided, single submitter. Criteria: Ambry Variant Classification Scheme 2023. Collection method: clinical testing. Allele origin: germline.

GeneDx
Classification: Uncertain significance. Last evaluated: 2023-12-29. Review status: criteria provided, single submitter. Criteria: GeneDx Variant Classification Process June 2021. Collection method: clinical testing. Allele origin: germline. Affected: yes.
Comment: In silico analysis supports that this missense variant does not alter protein structure/function; Not observed at significant frequency in large population cohorts (gnomAD); Also known as 568C>T; This variant is associated with the following publications: (PMID: 24728327, 16616110, 20859677, 29884841, 32377563, 35402282)

All of Us Research Program, National Institutes of Health
Classification: Uncertain significance for Breast-ovarian cancer, familial, susceptibility to, 2. Last evaluated: 2023-11-28. Review status: criteria provided, single submitter. Criteria: ACMG Guidelines, 2015. Collection method: clinical testing. Allele origin: germline. Inheritance: Autosomal dominant inheritance. Observed: 1 variant allele, 1 heterozygote.
Comment: This missense variant replaces histidine with tyrosine at codon 114 of the BRCA2 protein. Computational prediction suggests that this variant may not impact protein structure and function (internally defined REVEL score threshold <= 0.5, PMID: 27666373). To our knowledge, functional studies have not been reported for this variant. This variant has been reported in an individual affected with breast cancer (PMID: 16616110, 20859677). This variant has not been identified in the general population by the Genome Aggregation Database (gnomAD). The available evidence is insufficient to determine the role of this variant in disease conclusively. Therefore, this variant is classified as a Variant of Uncertain Significance.

This study involves interpretation of variants in research participants for the purpose of population health screening. Participant phenotype was not available at the time of variant classification. Additional details can be found in publication PMID: 35346344, PMCID: PMC8962531

Baylor Genetics
Classification: Uncertain significance for Familial cancer of breast. Last evaluated: 2023-08-18. Review status: criteria provided, single submitter. Criteria: ACMG Guidelines, 2015. Collection method: clinical testing. Allele origin: unknown.

Revvity Omics, Revvity
Classification: Uncertain significance. Last evaluated: 2023-07-21. Review status: criteria provided, single submitter. Criteria: ACMG Guidelines, 2015. Collection method: clinical testing. Allele origin: germline.

Women's Health and Genetics/Laboratory Corporation of America, LabCorp
Classification: Uncertain significance. Last evaluated: 2021-10-15. Review status: criteria provided, single submitter. Criteria: LabCorp Variant Classification Summary - May 2015. Collection method: clinical testing. Allele origin: germline.
Comment: Variant summary: BRCA2 c.340C>T (p.His114Tyr) results in a conservative amino acid change in the encoded protein sequence. Four of five in-silico tools predict a benign effect of the variant on protein function. The variant allele was found at a frequency of 4e-06 in 252376 control chromosomes. The available data on variant occurrences in the general population are insufficient to allow any conclusion about variant significance. c.340C>T has been reported in at least one individual affected with Hereditary Breast And Ovarian Cancer without strong evidence for causality (Jara_2006). To our knowledge, no experimental evidence demonstrating an impact on protein function has been reported. Four clinical diagnostic laboratories have submitted clinical-significance assessments for this variant to ClinVar after 2014 . All laboratories classified the variant as uncertain significance. Based on the evidence outlined above, the variant was classified as uncertain significance.

Color Diagnostics, LLC DBA Color Health
Classification: Uncertain significance for Hereditary cancer-predisposing syndrome. Last evaluated: 2020-09-30. Review status: criteria provided, single submitter. Criteria: ACMG Guidelines, 2015. Collection method: clinical testing. Allele origin: germline.
Comment: This missense variant replaces histidine with tyrosine at codon 114 of the BRCA2 protein. Computational prediction suggests that this variant may not impact protein structure and function (internally defined REVEL score threshold <= 0.5, PMID: 27666373). To our knowledge, functional studies have not been reported for this variant. This variant has been reported in an individual affected with breast cancer (PMID: 16616110, 20859677). This variant has not been identified in the general population by the Genome Aggregation Database (gnomAD). The available evidence is insufficient to determine the role of this variant in disease conclusively. Therefore, this variant is classified as a Variant of Uncertain Significance.

Quest Diagnostics Nichols Institute San Juan Capistrano
Classification: Uncertain significance. Last evaluated: 2017-11-15. Review status: criteria provided, single submitter. Criteria: Quest Diagnostics criteria. Collection method: clinical testing. Allele origin: germline.

ITMI
No classification provided. Condition: AllHighlyPenetrant. Last evaluated: 2013-09-19. Review status: no classification provided. Collection method: reference population. Allele origin: germline. Not counted in ClinVar's aggregate classification.
Comment: Please see associated publication for description of ethnicities

Literature cited by the submitters: PubMed 16616110 (cited by 4 submitters); PubMed 20859677 (cited by 3 submitters); PubMed 24728327 (cited by Women's Health and Genetics/Laboratory Corporation of America, LabCorp and ITMI).